The following is an entry in ClinVar:

ClinVar aggregate classification (germline): Uncertain significance (1 of 4 stars; one submission).

Conditions:
Fanconi anemia (FA). Also called: Fanconi's anemia. Identifiers: Orphanet 84, MedGen C0015625, MeSH D005199, MONDO:0019391.

Allele frequency attached by ClinVar (database versions not stated): gnomAD exomes below 0.00001 and 0.00001; TOPMed below 0.00001; gnomAD 0.00001.

Submission:

Labcorp Genetics (formerly Invitae), Labcorp
Classification: Uncertain significance for Fanconi anemia. Last evaluated: 2023-09-18. Review status: criteria provided, single submitter. Criteria: Invitae Variant Classification Sherloc (09022015). Collection method: clinical testing. Allele origin: germline.
Comment: In summary, the available evidence is currently insufficient to determine the role of this variant in disease. Therefore, it has been classified as a Variant of Uncertain Significance. This sequence change replaces asparagine, which is neutral and polar, with lysine, which is basic and polar, at codon 1369 of the FANCM protein (p.Asn1369Lys). This variant is present in population databases (rs113664919, gnomAD 0.0009%). This variant has not been reported in the literature in individuals affected with FANCM-related conditions. ClinVar contains an entry for this variant (Variation ID: 1419383). Algorithms developed to predict the effect of missense changes on protein structure and function output the following: SIFT: "Not Available"; PolyPhen-2: "Benign"; Align-GVGD: "Not Available". The lysine amino acid residue is found in multiple mammalian species, which suggests that this missense change does not adversely affect protein function.

NM_020937.4(FANCM):c.4107C>A (p.Asn1369Lys)

Gene: FANCM (FA complementation group M; plus strand). Cytogenetic location: 14q21.2.
Variant type: single nucleotide variant.
Coding change: c.4107C>A on transcript NM_020937.4 (MANE Select); coding-DNA position 4107, C replaced by A.
Protein change: p.Asn1369Lys; replaces asparagine 1369 with lysine.
Molecular consequence: missense variant.
Genome position (GRCh38, 1-based): chr14:45,176,861, C>A. VCF-style: chr14-45176861-C-A. GRCh37 (hg19) VCF-style: chr14-45646064-C-A.
Other names: c.4029C>A, p.Asn1343Lys (NM_001308133.2); short protein forms N1343K, N1369K.
Identifiers: ClinVar variation 1419383 (VCV001419383.8), dbSNP rs113664919, ClinGen allele CA259628654.